The following is an entry in ClinVar:

ClinVar aggregate classification (germline): Benign (0 of 4 stars; one submission).

Conditions:
EPPK1-related disorder. Also called: EPPK1-related condition.

Allele frequency attached by ClinVar (database versions not stated): gnomAD exomes 0.00075; ExAC 0.00355; gnomAD 0.00772; ESP Exome Variant Server 0.00841; TOPMed 0.00882; 1000 Genomes Project 0.01058; 1000 Genomes Project 30x 0.01202.
gnomAD v4.1: 2,299 of 1,595,900 alleles (0.14%); highest among the groups gnomAD compares: African/African-American, 2.7%; 25 homozygotes.

Submission:

PreventionGenetics, part of Exact Sciences
Classification: Benign for EPPK1-related condition. Last evaluated: 2021-05-03. Review status: no assertion criteria provided. Collection method: clinical testing. Allele origin: germline.
Comment: This variant is classified as benign based on ACMG/AMP sequence variant interpretation guidelines (Richards et al. 2015 PMID: 25741868, with internal and published modifications).

NM_031308.4(EPPK1):c.4623G>A (p.Arg1541=)

Gene: EPPK1 (epiplakin 1; minus strand). Cytogenetic location: 8q24.3.
Variant type: single nucleotide variant.
Coding change: c.4623G>A on transcript NM_031308.4 (MANE Select); coding-DNA position 4623, G replaced by A.
Protein change: p.Arg1541=; no amino-acid change (arginine 1541 retained).
Molecular consequence: synonymous variant.
Genome position (GRCh38, 1-based): chr8:143,868,631, C>T on the plus strand (G>A on the coding strand, the complement: EPPK1 is on the minus strand). VCF-style: chr8-143868631-C-T. GRCh37 (hg19) VCF-style: chr8-144942799-C-T.
Identifiers: ClinVar variation 3052331 (VCV003052331.2), dbSNP rs6994315, ClinGen allele CA4922438.